The following is an entry in ClinVar:

ClinVar aggregate classification (germline): Pathogenic. Review status: criteria provided, single submitter (1 of 4 stars). 2 submissions from 2 submitters: Pathogenic (1). 1 of the submissions does not count toward it. Last evaluated 2018-02-20.

Conditions:
Intellectual developmental disorder, autosomal dominant 1. Also called: MBD5 Haploinsufficiency; Intellectual disability, autosomal dominant 1. Identifiers: Orphanet 228402, MedGen C1969562, MONDO:0007974, OMIM 156200.

Submissions (2):

GeneDx
Classification: Pathogenic. Last evaluated: 2018-02-20. Review status: criteria provided, single submitter. Criteria: GeneDx Variant Classification (06012015). Collection method: clinical testing. Allele origin: germline. Affected: yes.
Comment: The S147X variant in the MBD5 gene has been reported previously as a confirmed de novo change in anindividual with development delay, intellectual disability, autistic-like features, seizures, hypotonia anddysmorphic facial features (Bonnet et al., 2013). This variant is predicted to cause loss of normal proteinfunction either through protein truncation or nonsense-mediated mRNA decay. The S147X variant wasnot observed in approximately 6500 individuals of European and African American ancestry in the NHLBIExome Sequencing Project, indicating it is not a common benign variant in these populations. We interpretS147X as a pathogenic variant.

GeneReviews
No classification provided. Condition: Intellectual developmental disorder, autosomal dominant 1. Review status: no classification provided. Collection method: literature only. Allele origin: germline. Affected: yes. Not counted in ClinVar's aggregate classification.

Literature cited by the submitters: NCBI Bookshelf NBK390803 (cited by GeneReviews).

NM_001378120.1(MBD5):c.440C>G (p.Ser147Ter)

Gene: MBD5 (methyl-CpG binding domain protein 5; plus strand). Cytogenetic location: 2q23.1.
Variant type: single nucleotide variant.
Coding change: c.440C>G on transcript NM_001378120.1 (MANE Select); coding-DNA position 440, C replaced by G.
Protein change: p.Ser147Ter; replaces serine 147 with a stop codon.
Molecular consequence: nonsense.
Genome position (GRCh38, 1-based): chr2:148,468,383, C>G. VCF-style: chr2-148468383-C-G. GRCh37 (hg19) VCF-style: chr2-149225952-C-G.
Other names: c.440C>G, p.Ser147Ter (NM_018328.5); short protein forms S147*.
Identifiers: ClinVar variation 267726 (VCV000267726.3), dbSNP rs886041003, ClinGen allele CA10602609.